The following is an entry in ClinVar:

ClinVar aggregate classification (germline): Pathogenic (1 of 4 stars; one submission).

Conditions:
UDPglucose-4-epimerase deficiency. Also called: UDP-GALACTOSE-4-EPIMERASE DEFICIENCY; Galactose epimerase deficiency; GALACTOSEMIA III; GALE DEFICIENCY; UDPglucose 4-Epimerase Deficiency Disease; Epimerase Deficiency Galactosemia. Identifiers: Orphanet 352, Orphanet 79238, MedGen C0751161, MONDO:0009257, OMIM 230350.

Submission:

Labcorp Genetics (formerly Invitae), Labcorp
Classification: Pathogenic for UDPglucose-4-epimerase deficiency. Last evaluated: 2023-10-18. Review status: criteria provided, single submitter. Criteria: Invitae Variant Classification Sherloc (09022015). Collection method: clinical testing. Allele origin: germline.
Comment: This sequence change creates a premature translational stop signal (p.Thr232Argfs*71) in the GALE gene. It is expected to result in an absent or disrupted protein product. Loss-of-function variants in GALE are known to be pathogenic (PMID: 16301867). This variant is not present in population databases (gnomAD no frequency). This variant has not been reported in the literature in individuals affected with GALE-related conditions. For these reasons, this variant has been classified as Pathogenic.

Literature cited by the submitters: PubMed 16301867.

NM_001008216.2(GALE):c.695_696del (p.Thr232fs)

Gene: GALE (UDP-galactose-4-epimerase; minus strand). Cytogenetic location: 1p36.11.
Variant type: Microsatellite.
Coding change: c.695_696del on transcript NM_001008216.2 (MANE Select); coding-DNA positions 695 to 696, 2 bases deleted (CA; older notation c.695_696delCA).
Protein change: p.Thr232fs; shifts the reading frame from threonine 232.
Molecular consequence: frameshift variant.
Genome position (GRCh38, 1-based): chr1:23,796,889-23,796,890, TG deleted on the plus strand (CA on the coding strand, the reverse complement: GALE is on the minus strand); deleting any 2 consecutive bases within chr1:23,796,889-23,796,893 gives the same sequence; the c. name uses the placement nearest the transcript's 3' end. VCF-style (leftmost placement, unchanged base first): chr1-23796888-CTG-C. GRCh37 (hg19) VCF-style: chr1-24123378-CTG-C.
Other names: c.695_696del, p.Thr232fs (NM_000403.4, NM_001127621.2); short protein forms T232fs.
Identifiers: ClinVar variation 2993130 (VCV002993130.4), dbSNP rs1638974195, ClinGen allele CA1158960896.
Genomic context (GRCh38, chr1:23,796,888, plus strand): 5'-CTCTCCTTCCTGGCTCCCACTCCTAGGTCCCCCTGGTCCTAGGCTCACCTGTGCCATCCT[CTG>C]TGTCATAGTCATTGCCAAAGACATTCAGGGCCTCCCGTCGCCCGATCGCCACCTGGAGGT-3'